The following is an entry in ClinVar:

ClinVar aggregate classification (germline): Uncertain significance. Review status: criteria provided, single submitter (1 of 4 stars). 2 submissions from 2 submitters: Uncertain significance (1). 1 of the submissions does not count toward it. Last evaluated 2022-06-29.

Conditions:
XK-related neurodegenerative disease. Also called: NEUROACANTHOCYTOSIS, MCLEOD TYPE; MCLEOD PHENOTYPE; MCLEOD SYNDROME; McLeod neuroacanthocytosis syndrome; X-linked McLeod syndrome. Identifiers: Orphanet 59306, MedGen C0398568, MONDO:0018945, OMIM 300842. Disease mechanism: loss of function.

Submissions (2):

Labcorp Genetics (formerly Invitae), Labcorp
Classification: Uncertain significance. Last evaluated: 2022-06-29. Review status: criteria provided, single submitter. Criteria: Invitae Variant Classification Sherloc (09022015). Collection method: clinical testing. Allele origin: germline.
Comment: This variant disrupts the p.Arg222 amino acid residue in XK. Other variant(s) that disrupt this residue have been observed in individuals with XK-related conditions (PMID: 11961232, 17302777, 30800707), which suggests that this may be a clinically significant amino acid residue. Experimental studies have shown that this missense change affects XK function (PMID: 11961232). Algorithms developed to predict the effect of missense changes on protein structure and function are either unavailable or do not agree on the potential impact of this missense change (SIFT: "Not Available"; PolyPhen-2: "Probably Damaging"; Align-GVGD: "Not Available"). ClinVar contains an entry for this variant (Variation ID: 1300237). This missense change has been observed in individual(s) with McLeod syndrome (PMID: 11961232, 17302777). This variant is not present in population databases (gnomAD no frequency). This sequence change replaces arginine, which is basic and polar, with glycine, which is neutral and non-polar, at codon 222 of the XK protein (p.Arg222Gly). In summary, the available evidence is currently insufficient to determine the role of this variant in disease. Therefore, it has been classified as a Variant of Uncertain Significance.

GeneReviews
No classification provided. Condition: XK-related neurodegenerative disease. Review status: no classification provided. Collection method: literature only. Allele origin: germline. Not counted in ClinVar's aggregate classification.
Comment: This reported XK missense variant predicted to disrupt either structure or function

Literature cited by the submitters: PubMed 11961232 (cited by Labcorp Genetics (formerly Invitae), Labcorp); PubMed 17302777 (cited by Labcorp Genetics (formerly Invitae), Labcorp); PubMed 30800707 (cited by Labcorp Genetics (formerly Invitae), Labcorp); PubMed 17133513 (cited by GeneReviews).

NM_021083.4(XK):c.664C>G (p.Arg222Gly)

Gene: XK (X-linked Kx blood group antigen, Kell and VPS13A binding protein; plus strand). Cytogenetic location: Xp21.1.
Variant type: single nucleotide variant.
Coding change: c.664C>G on transcript NM_021083.4 (MANE Select); coding-DNA position 664, C replaced by G.
Protein change: p.Arg222Gly; replaces arginine 222 with glycine.
Molecular consequence: missense variant.
Genome position (GRCh38, 1-based): chrX:37,727,791, C>G. VCF-style: chrX-37727791-C-G. GRCh37 (hg19) VCF-style: chrX-37587044-C-G.
Other names: short protein forms R222G.
Identifiers: ClinVar variation 1300237 (VCV001300237.7), dbSNP rs2146834483, ClinGen allele CA412973957.